The following is an entry in ClinVar:

ClinVar aggregate classification (germline): Likely benign (1 of 4 stars; one submission).

Allele frequency attached by ClinVar (database versions not stated): gnomAD exomes 0.00007; ExAC 0.00026; 1000 Genomes Project 0.00040; 1000 Genomes Project 30x 0.00062; gnomAD 0.00076; TOPMed 0.00099; ESP Exome Variant Server 0.00131.
gnomAD v4.1: 232 of 1,614,036 alleles (0.014%); highest among the groups gnomAD compares: African/African-American, 0.28%; no homozygotes.

Submission:

CeGaT Center for Human Genetics Tuebingen
Classification: Likely benign. Last evaluated: 2022-09-01. Review status: criteria provided, single submitter. Criteria: CeGaT Center For Human Genetics Tuebingen Variant Classification Criteria Version 2. Collection method: clinical testing. Allele origin: germline. Affected: yes. Observed: 1 variant allele.
Comment: LBP: BP4, BP7

NM_004139.5(LBP):c.1203C>T (p.Phe401=)

Gene: LBP (lipopolysaccharide binding protein; plus strand). Cytogenetic location: 20q11.23.
Variant type: single nucleotide variant.
Coding change: c.1203C>T on transcript NM_004139.5 (MANE Select); coding-DNA position 1203, C replaced by T.
Protein change: p.Phe401=; no amino-acid change (phenylalanine 401 retained).
Molecular consequence: synonymous variant.
Genome position (GRCh38, 1-based): chr20:38,370,791, C>T. VCF-style: chr20-38370791-C-T. GRCh37 (hg19) VCF-style: chr20-36999435-C-T.
Identifiers: ClinVar variation 2652318 (VCV002652318.24), dbSNP rs146457097, ClinGen allele CA9853130.